The following is an entry in ClinVar:

NM_000071.3(CBS):c.1478C>T (p.Thr493Met)

Gene: CBS (cystathionine beta-synthase; minus strand). Cytogenetic location: 21q22.3.
Variant type: single nucleotide variant.
Coding change: c.1478C>T on transcript NM_000071.3 (MANE Select); coding-DNA position 1478, C replaced by T.
Protein change: p.Thr493Met; replaces threonine 493 with methionine.
Molecular consequence: missense variant.
Genome position (GRCh38, 1-based): chr21:43,056,877, G>A on the plus strand (C>T on the coding strand, the complement: CBS is on the minus strand). VCF-style: chr21-43056877-G-A. GRCh37 (hg19) VCF-style: chr21-44476987-G-A.
Other names: c.1478C>T, p.Thr493Met (NM_001178008.3, NM_001178009.3, NM_001320298.2); c.1163C>T, p.Thr388Met (NM_001321072.1); short protein forms T388M, T493M.
Identifiers: ClinVar variation 989622 (VCV000989622.20), dbSNP rs996249907, ClinGen allele CA321686674.

ClinVar aggregate classification (germline): Uncertain significance. Review status: criteria provided, multiple submitters, no conflicts (2 of 4 stars). 3 submissions from 3 submitters: Uncertain significance (2). 1 of the submissions does not count toward it. Last evaluated 2025-02-01.

Conditions:
HYPERHOMOCYSTEINEMIA, THROMBOTIC, CBS-RELATED. Identifiers: MedGen C3150344, OMIM 236200.
Classic homocystinuria. Also called: HOMOCYSTINURIA WITH OR WITHOUT RESPONSE TO PYRIDOXINE; Homocystinuria due to Cystathionine Beta-Synthase Deficiency; Homocystinuria due to CBS deficiency; Cystathionine beta-synthase deficiency; CBS deficiency. Identifiers: Orphanet 394, MedGen C0751202, MONDO:0009352, OMIM 236200.

Allele frequency attached by ClinVar (database versions not stated): gnomAD exomes 0.00001.

Submissions (3):

CeGaT Center for Human Genetics Tuebingen
Classification: Uncertain significance. Last evaluated: 2025-02-01. Review status: criteria provided, single submitter. Criteria: CeGaT Center For Human Genetics Tuebingen Variant Classification Criteria Version 2. Collection method: clinical testing. Allele origin: germline. Affected: yes. Observed: 1 variant allele.
Comment: CBS: PM2

Labcorp Genetics (formerly Invitae), Labcorp
Classification: Uncertain significance for HYPERHOMOCYSTEINEMIA, THROMBOTIC, CBS-RELATED. Last evaluated: 2024-01-09. Review status: criteria provided, single submitter. Criteria: Invitae Variant Classification Sherloc (09022015). Collection method: clinical testing. Allele origin: germline.
Comment: This sequence change replaces threonine, which is neutral and polar, with methionine, which is neutral and non-polar, at codon 493 of the CBS protein (p.Thr493Met). The frequency data for this variant in the population databases is considered unreliable, as metrics indicate poor data quality at this position in the gnomAD database. This variant has not been reported in the literature in individuals affected with CBS-related conditions. ClinVar contains an entry for this variant (Variation ID: 989622). Advanced modeling of protein sequence and biophysical properties (such as structural, functional, and spatial information, amino acid conservation, physicochemical variation, residue mobility, and thermodynamic stability) performed at Invitae indicates that this missense variant is expected to disrupt CBS protein function with a positive predictive value of 80%. In summary, the available evidence is currently insufficient to determine the role of this variant in disease. Therefore, it has been classified as a Variant of Uncertain Significance.

Natera, Inc.
Classification: Uncertain significance for Homocystinuria due to cystathionine beta-synthase deficiency. Last evaluated: 2020-08-07. Review status: no assertion criteria provided. Collection method: clinical testing. Allele origin: germline. Not counted in ClinVar's aggregate classification.